The following is an entry in ClinVar:

NM_001003699.4(RREB1):c.1842C>G (p.Ile614Met)

Gene: RREB1 (ras responsive element binding protein 1; plus strand). Cytogenetic location: 6p24.3.
Variant type: single nucleotide variant.
Coding change: c.1842C>G on transcript NM_001003699.4 (MANE Select); coding-DNA position 1842, C replaced by G.
Protein change: p.Ile614Met; replaces isoleucine 614 with methionine.
Molecular consequence: missense variant.
Genome position (GRCh38, 1-based): chr6:7,229,941, C>G. VCF-style: chr6-7229941-C-G. GRCh37 (hg19) VCF-style: chr6-7230174-C-G.
Other names: c.1842C>G, p.Ile614Met (NM_001003698.4, NM_001003700.2, NM_001168344.2); short protein forms I614M.
Identifiers: ClinVar variation 726941 (VCV000726941.6), dbSNP rs146678576, ClinGen allele CA3625657.

ClinVar aggregate classification (germline): Likely benign. Review status: criteria provided, single submitter (1 of 4 stars). 2 submissions from 2 submitters: Likely benign (1). 1 of the submissions does not count toward it. Last evaluated 2019-12-31.

Conditions:
RREB1-related disorder. Also called: RREB1-related condition.

Allele frequency attached by ClinVar (database versions not stated): 1000 Genomes Project 0.00040; ESP Exome Variant Server 0.00047; gnomAD 0.00058 and 0.00060; TOPMed 0.00065; 1000 Genomes Project 30x 0.00078; gnomAD exomes 0.00082.
gnomAD v4.1: 1,278 of 1,600,814 alleles (0.08%); highest among the groups gnomAD compares: Non-Finnish European, 0.081%; 1 homozygote.

Submissions (2):

Labcorp Genetics (formerly Invitae), Labcorp
Classification: Likely benign. Last evaluated: 2019-12-31. Review status: criteria provided, single submitter. Criteria: Invitae Variant Classification Sherloc (09022015). Collection method: clinical testing. Allele origin: germline.

PreventionGenetics, part of Exact Sciences
Classification: Likely benign for RREB1-related condition. Last evaluated: 2019-03-01. Review status: no assertion criteria provided. Collection method: clinical testing. Allele origin: germline. Not counted in ClinVar's aggregate classification.
Comment: This variant is classified as likely benign based on ACMG/AMP sequence variant interpretation guidelines (Richards et al. 2015 PMID: 25741868, with internal and published modifications).